The following is an entry in ClinVar:

ClinVar aggregate classification (germline): Likely pathogenic (1 of 4 stars; one submission).

Conditions:
Dilated cardiomyopathy 1G (CMD1G). Identifiers: Orphanet 154, MedGen C1858763, MONDO:0011400, OMIM 604145.
Autosomal recessive limb-girdle muscular dystrophy type 2J (LGMDR10). Also called: MUSCULAR DYSTROPHY, LIMB-GIRDLE, AUTOSOMAL RECESSIVE 10; Limb-girdle muscular dystrophy, type 2J. Identifiers: Orphanet 140922, MedGen C1837342, MONDO:0012127, OMIM 608807.

Submission:

Labcorp Genetics (formerly Invitae), Labcorp
Classification: Likely pathogenic for Dilated cardiomyopathy 1G; Autosomal recessive limb-girdle muscular dystrophy type 2J. Last evaluated: 2022-10-17. Review status: criteria provided, single submitter. Criteria: Invitae Variant Classification Sherloc (09022015). Collection method: clinical testing. Allele origin: germline.
Comment: This sequence change creates a premature translational stop signal (p.Thr16509Asnfs*9) in the TTN gene. While this is not anticipated to result in nonsense mediated decay, it is expected to create a truncated TTN protein. This variant is not present in population databases (gnomAD no frequency). This variant has not been reported in the literature in individuals affected with TTN-related conditions. ClinVar contains an entry for this variant (Variation ID: 1502423). This variant is located in the A band of TTN (PMID: 25589632). Truncating variants in this region are significantly overrepresented in patients affected with dilated cardiomyopathy (PMID: 25589632). Truncating variants in this region have also been reported in individuals affected with autosomal recessive centronuclear myopathy (PMID: 23975875). In summary, the currently available evidence indicates that the variant is pathogenic, but additional data are needed to prove that conclusively. Therefore, this variant has been classified as Likely Pathogenic.

Literature cited by the submitters: PubMed 25589632; PubMed 23975875.

NM_001267550.2(TTN):c.49525dup (p.Thr16509fs)

Genes: TTN (titin; minus strand), TTN-AS1 (TTN antisense RNA 1; plus strand). Cytogenetic location: 2q31.2.
Variant type: Duplication.
Coding change: c.49525dup on transcript NM_001267550.2 (MANE Select); coding-DNA position 49525, one base duplicated (A; older notation c.49525dupA).
Protein change: p.Thr16509fs; shifts the reading frame from threonine 16509.
Molecular consequence: frameshift variant.
Genome position (GRCh38, 1-based): chr2:178,613,758, T duplicated on the plus strand (A on the coding strand, the reverse complement: TTN is on the minus strand); the first of 2 consecutive T bases (chr2:178,613,758-178,613,759); duplicating either gives the same sequence. VCF-style (leftmost placement, unchanged base first): chr2-178613757-G-GT. GRCh37 (hg19) VCF-style: chr2-179478484-G-GT.
Other names: c.44602dup, p.Thr14868fs (NM_001256850.1); c.22330dup, p.Thr7444fs (NM_003319.4); c.41821dup, p.Thr13941fs (NM_133378.4); c.22705dup, p.Thr7569fs (NM_133432.3); c.22906dup, p.Thr7636fs (NM_133437.4); short protein forms T7569fs, T13941fs, T7636fs, T14868fs, T7444fs, T16509fs.
Identifiers: ClinVar variation 1502423 (VCV001502423.6), dbSNP rs2154201255, ClinGen allele CA2573133921.